The following is an entry in ClinVar:

ClinVar aggregate classification (germline): Pathogenic/Likely pathogenic. Review status: criteria provided, multiple submitters, no conflicts (2 of 4 stars). 4 submissions from 4 submitters: Pathogenic (1); Likely pathogenic (3). Last evaluated 2024-03-27.

Conditions:
Episodic ataxia type 2 (EA2). Also called: CEREBELLAR ATAXIA, PAROXYSMAL, ACETAZOLAMIDE-RESPONSIVE; CEREBELLOPATHY, HEREDITARY PAROXYSMAL; EPISODIC ATAXIA, NYSTAGMUS-ASSOCIATED; ACETAZOLAMIDE-RESPONSIVE HEREDITARY PAROXYSMAL CEREBELLAR ATAXIA; ATAXIA, EPISODIC, WITH NYSTAGMUS; ATAXIA, FAMILIAL PAROXYSMAL. Identifiers: Orphanet 97, MedGen C1720416, MONDO:0007163, OMIM 108500.
Developmental and epileptic encephalopathy, 42 (DEE42A). Also called: Epileptic encephalopathy, early infantile, 42; DEVELOPMENTAL AND EPILEPTIC ENCEPHALOPATHY 42A; EPILEPTIC ENCEPHALOPATHY, EARLY INFANTILE, 42A. Identifiers: MedGen C4310716, MONDO:0014917, OMIM 617106.
Spinocerebellar ataxia type 6 (SCA6). Identifiers: Orphanet 98758, MedGen C0752124, MONDO:0008457, OMIM 183086.
Migraine, familial hemiplegic, 1. Also called: MIGRAINE, FAMILIAL HEMIPLEGIC 1, WITH PROGRESSIVE CEREBELLAR ATAXIA. Identifiers: Orphanet 569, MedGen C1832884, MONDO:0020756, OMIM 141500, MONDO:0007714.
Developmental and epileptic encephalopathy, 52 (DEE52). Also called: Epileptic encephalopathy, early infantile, 52. Identifiers: MedGen C4479236, MONDO:0033361, OMIM 617350.
CACNA1A-related disorder. Also called: CACNA1A-related condition.

Allele frequency attached by ClinVar (database versions not stated): gnomAD 0.00001.
gnomAD v4.1: 1 of 1,613,584 alleles (0.000062%); highest among the groups gnomAD compares: African/African-American, 0.0013%; no homozygotes.

Submissions (4):

Blueprint Genetics
Classification: Likely pathogenic for CACNA1A-related disorders. Last evaluated: 2024-03-27. Review status: criteria provided, single submitter. Criteria: ACMG Guidelines, 2015. Collection method: clinical testing. Allele origin: germline. Affected: yes. Observed: 1 variant allele.

3billion
Classification: Likely pathogenic for Developmental and epileptic encephalopathy, 42. Last evaluated: 2023-12-29. Review status: criteria provided, single submitter. Criteria: ACMG Guidelines, 2015. Collection method: clinical testing. Allele origin: germline. Affected: yes.
Comment: The variant is observed at an extremely low frequency in the gnomAD v2.1.1 dataset (total allele frequency: 0.003%). Predicted Consequence/Location: Missense variant In silico tool predictions suggest damaging effect of the variant on gene or gene product [REVEL: 0.81 (>=0.6, sensitivity 0.68 and specificity 0.92); 3Cnet: 0.06 (>=0.6, sensitivity 0.72 and precision 0.9)]. Same nucleotide change resulting in same amino acid change has been previously reported as pathogenic/likely pathogenic with strong evidence (ClinVar ID: VCV001421109 /PMID: 35722745). Therefore, this variant is classified as Likely pathogenic according to the recommendation of ACMG/AMP guideline.

Labcorp Genetics (formerly Invitae), Labcorp
Classification: Pathogenic for Developmental and epileptic encephalopathy, 42; Episodic ataxia type 2. Last evaluated: 2023-10-10. Review status: criteria provided, single submitter. Criteria: Invitae Variant Classification Sherloc (09022015). Collection method: clinical testing. Allele origin: germline.
Comment: This sequence change replaces valine, which is neutral and non-polar, with isoleucine, which is neutral and non-polar, at codon 1809 of the CACNA1A protein (p.Val1809Ile). This variant is present in population databases (no rsID available, gnomAD 0.01%). This missense change has been observed in individual(s) with CACNA1A-related conditions (PMID: 35722745; Invitae). In at least one individual the variant was observed to be de novo. This variant is also known as c.5422G>A (p.Val1808Ile) in transcript NM_001127222. ClinVar contains an entry for this variant (Variation ID: 1421109). Advanced modeling of protein sequence and biophysical properties (such as structural, functional, and spatial information, amino acid conservation, physicochemical variation, residue mobility, and thermodynamic stability) performed at Invitae indicates that this missense variant is expected to disrupt CACNA1A protein function. This variant disrupts the p.Val1809 amino acid residue in CACNA1A. Other variant(s) that disrupt this residue have been observed in individuals with CACNA1A-related conditions (PMID: 28927557), which suggests that this may be a clinically significant amino acid residue. For these reasons, this variant has been classified as Pathogenic.

Wendy Chung Laboratory, Boston Children's Hospital
Classification: Likely pathogenic for Developmental and epileptic encephalopathy, 52; Episodic ataxia type 2; Migraine, familial hemiplegic, 1; Spinocerebellar ataxia type 6. Last evaluated: 2022-03-20. Review status: criteria provided, single submitter. Criteria: ACMG Guidelines, 2015. Collection method: clinical testing. Allele origin: unknown. Affected: yes.

Literature cited by the submitters: PubMed 35722745 (cited by 3billion and Labcorp Genetics (formerly Invitae), Labcorp); PubMed 28927557 (cited by Labcorp Genetics (formerly Invitae), Labcorp).

NM_001127222.2(CACNA1A):c.5422G>A (p.Val1808Ile)

Gene: CACNA1A (calcium voltage-gated channel subunit alpha1 A; minus strand). Cytogenetic location: 19p13.13.
Variant type: single nucleotide variant.
Coding change: c.5422G>A on transcript NM_001127222.2 (MANE Select); coding-DNA position 5422, G replaced by A.
Protein change: p.Val1808Ile; replaces valine 1808 with isoleucine.
Molecular consequence: missense variant.
Genome position (GRCh38, 1-based): chr19:13,230,188, C>T on the plus strand (G>A on the coding strand, the complement: CACNA1A is on the minus strand). VCF-style: chr19-13230188-C-T. GRCh37 (hg19) VCF-style: chr19-13341002-C-T.
Other names: c.5440G>A, p.Val1814Ile (NM_000068.4, NM_023035.3); c.5425G>A, p.Val1809Ile (NM_001127221.2); c.5431G>A, p.Val1811Ile (NM_001174080.2); short protein forms V1811I, V1808I, V1809I, V1814I.
Identifiers: ClinVar variation 1421109 (VCV001421109.11), dbSNP rs1296629000, ClinGen allele CA404333756.